The following is an entry in ClinVar:

ClinVar aggregate classification (germline): Uncertain significance. Review status: criteria provided, multiple submitters, no conflicts (2 of 4 stars). 7 submissions from 6 submitters: Uncertain significance (6). 1 of the submissions does not count toward it. Last evaluated 2026-01-15.

Conditions:
Retinitis pigmentosa 37 (RP37). Identifiers: Orphanet 791, MedGen C1970163, MONDO:0012625, OMIM 611131.
Retinal dystrophy. Also called: Inherited retinal dystrophy. Identifiers: Orphanet 71862, MedGen C0854723, MeSH D058499, MONDO:0019118, HP:0000556.
Enhanced S-cone syndrome (ESCS). Identifiers: Orphanet 53540, MedGen C1849394, MONDO:0100288, MONDO:0009989.
NR2E3-related disorder. Also called: NR2E3-related disorders; NR2E3-related condition. Identifiers: MedGen CN239387.

Allele frequency attached by ClinVar (database versions not stated): ExAC 0.00004; gnomAD exomes 0.00006 and 0.00012; gnomAD 0.00007 and 0.00008; TOPMed 0.00010.
gnomAD v4.1: 181 of 1,612,534 alleles (0.011%); highest among the groups gnomAD compares: Middle Eastern, 0.016%; no homozygotes.

Submissions (7):

Labcorp Genetics (formerly Invitae), Labcorp
Classification: Uncertain significance. Last evaluated: 2026-01-15. Review status: criteria provided, single submitter. Criteria: Invitae Variant Classification Sherloc (09022015). Collection method: clinical testing. Allele origin: germline.
Comment: This sequence change replaces glycine, which is neutral and non-polar, with serine, which is neutral and polar, at codon 287 of the NR2E3 protein (p.Gly287Ser). This variant is present in population databases (rs764901119, gnomAD 0.01%). This missense change has been observed in individual(s) with clinical features of retinitis pigmentosa (PMID: 18294254). ClinVar contains an entry for this variant (Variation ID: 887281). Invitae Evidence Modeling of protein sequence and biophysical properties (such as structural, functional, and spatial information, amino acid conservation, physicochemical variation, residue mobility, and thermodynamic stability) indicates that this missense variant is not expected to disrupt NR2E3 protein function with a negative predictive value of 80%. In summary, the available evidence is currently insufficient to determine the role of this variant in disease. Therefore, it has been classified as a Variant of Uncertain Significance.

PreventionGenetics, part of Exact Sciences
Classification: Uncertain significance for NR2E3-related condition. Last evaluated: 2025-08-25. Review status: criteria provided, single submitter. Criteria: ACMG Guidelines, 2015. Collection method: clinical testing. Allele origin: germline.
Comment: The NR2E3 c.859G>A variant is predicted to result in the amino acid substitution p.Gly287Ser. This variant has been reported in the absence of a second NR2E3 variant in an individual with presumed autosomal recessive retinal disease (Bernal et al. 2008. PubMed ID: 18294254). This variant is present in 0.013% of alleles in individuals of African descent in gnomAD. At this time, the clinical significance of this variant is uncertain due to the absence of conclusive functional and genetic evidence.

Blueprint Genetics
Classification: Uncertain significance. Last evaluated: 2024-09-25. Review status: criteria provided, single submitter. Criteria: ACMG Guidelines, 2015. Collection method: clinical testing. Allele origin: germline.

Dept Of Ophthalmology, Nagoya University
Classification: Uncertain significance for Retinal dystrophy. Last evaluated: 2023-10-01. Review status: criteria provided, single submitter. Criteria: Submitter's publication. Collection method: research. Allele origin: germline. Affected: yes.

Illumina Laboratory Services, Illumina
Classification: Uncertain significance for ENHANCED S-CONE SYNDROME 1. Last evaluated: 2017-04-27. Review status: criteria provided, single submitter. Criteria: ICSL Variant Classification Criteria 13 December 2019. Collection method: clinical testing. Allele origin: germline.

Illumina Laboratory Services, Illumina
Classification: Uncertain significance for Retinitis pigmentosa 37. Last evaluated: 2017-04-27. Review status: criteria provided, single submitter. Criteria: ICSL Variant Classification Criteria 13 December 2019. Collection method: clinical testing. Allele origin: germline.
Comment: This variant was observed as part of a predisposition screen in an ostensibly healthy population. A literature search was performed for the gene, cDNA change, and amino acid change (where applicable). Publications were found based on this search. However, the evidence from the literature, in combination with allele frequency data from public databases where available, was not sufficient to rule this variant in or out of causing disease. Therefore, this variant is classified as a variant of unknown significance.

Natera, Inc.
Classification: Uncertain significance for Enhanced S cone syndrome. Last evaluated: 2020-03-28. Review status: no assertion criteria provided. Collection method: clinical testing. Allele origin: germline. Not counted in ClinVar's aggregate classification.

Literature cited by the submitters: PubMed 18294254 (cited by Labcorp Genetics (formerly Invitae), Labcorp and Illumina Laboratory Services, Illumina).

NM_014249.4(NR2E3):c.859G>A (p.Gly287Ser)

Gene: NR2E3 (nuclear receptor subfamily 2 group E member 3; plus strand). Cytogenetic location: 15q23.
Variant type: single nucleotide variant.
Coding change: c.859G>A on transcript NM_014249.4 (MANE Select); coding-DNA position 859, G replaced by A.
Protein change: p.Gly287Ser; replaces glycine 287 with serine.
Molecular consequence: missense variant.
Genome position (GRCh38, 1-based): chr15:71,813,500, G>A. VCF-style: chr15-71813500-G-A. GRCh37 (hg19) VCF-style: chr15-72105840-G-A.
Other names: c.859G>A, p.Gly287Ser (NM_016346.4); short protein forms G287S.
Identifiers: ClinVar variation 887281 (VCV000887281.15), dbSNP rs764901119, ClinGen allele CA7640413.